The following is an entry in ClinVar:

NM_025114.4(CEP290):c.916G>A (p.Val306Ile)

Gene: CEP290 (centrosomal protein 290; minus strand). Cytogenetic location: 12q21.32.
Variant type: single nucleotide variant.
Coding change: c.916G>A on transcript NM_025114.4 (MANE Select); coding-DNA position 916, G replaced by A.
Protein change: p.Val306Ile; replaces valine 306 with isoleucine.
Molecular consequence: missense variant.
Genome position (GRCh38, 1-based): chr12:88,128,972, C>T on the plus strand (G>A on the coding strand, the complement: CEP290 is on the minus strand). VCF-style: chr12-88128972-C-T. GRCh37 (hg19) VCF-style: chr12-88522749-C-T.
Other names: c.916G>A (NM_025114.3); short protein forms V306I.
Identifiers: ClinVar variation 502622 (VCV000502622.16), dbSNP rs558949569, ClinGen allele CA6712674.

ClinVar aggregate classification (germline): Uncertain significance. Review status: criteria provided, multiple submitters, no conflicts (2 of 4 stars). 5 submissions from 5 submitters: Uncertain significance (4). 1 of the submissions does not count toward it. Last evaluated 2025-08-21.

Conditions:
Inborn genetic diseases. Identifiers: MedGen C0950123, MeSH D030342.
Bardet-Biedl syndrome 14 (BBS14). Identifiers: Orphanet 110, MedGen C2673874, MONDO:0014442, OMIM 615991.
Senior-Loken syndrome 6 (SLSN6). Identifiers: Orphanet 3156, MedGen C1857779, MONDO:0012433, OMIM 610189.
Joubert syndrome 5 (JBTS5). Identifiers: Orphanet 2318, MedGen C1857780, MONDO:0012432, OMIM 610188.
Leber congenital amaurosis 10 (LCA10). Identifiers: Orphanet 65, MedGen C1857821, MONDO:0012723, OMIM 611755.
Meckel syndrome, type 4 (MKS4). Also called: MECKEL-GRUBER SYNDROME, TYPE 4. Identifiers: Orphanet 564, MedGen C1970161, MONDO:0012626, OMIM 611134.
Leber congenital amaurosis (LCA). Also called: Leber's amaurosis. Identifiers: Orphanet 65, MedGen C0339527, MeSH D057130, MONDO:0018998.

Allele frequency attached by ClinVar (database versions not stated): gnomAD below 0.00001 and 0.00003; TOPMed below 0.00001; gnomAD exomes 0.00002; ExAC 0.00006.
gnomAD v4.1: 30 of 1,535,252 alleles (0.002%); highest among the groups gnomAD compares: South Asian, 0.035%; no homozygotes.

Submissions (5):

Ambry Genetics
Classification: Uncertain significance for Inborn genetic diseases. Last evaluated: 2025-08-21. Review status: criteria provided, single submitter. Criteria: Ambry Variant Classification Scheme 2023. Collection method: clinical testing. Allele origin: germline.

Fulgent Genetics
Classification: Uncertain significance for Joubert syndrome 5; Senior-Loken syndrome 6; Meckel syndrome, type 4; Leber congenital amaurosis 10; Bardet-Biedl syndrome 14. Last evaluated: 2024-02-06. Review status: criteria provided, single submitter. Criteria: ACMG Guidelines, 2015. Collection method: clinical testing. Allele origin: germline.

ARUP Laboratories, Molecular Genetics and Genomics, ARUP Laboratories
Classification: Uncertain significance. Last evaluated: 2019-06-19. Review status: criteria provided, single submitter. Criteria: ARUP Molecular Germline Variant Investigation Process. Collection method: clinical testing. Allele origin: germline.
Comment: The CEP290 c.916G>A; p.Val306Ile variant (rs558949569), to our knowledge, is not reported in the medical literature or gene-specific databases. The variant is listed in the ClinVar database (Variation ID: 502622) and in the general population with an allele frequency of 0.0036% (6/182620 alleles) in the Genome Aggregation Database. The amino acid at this position is moderately conserved and computational analyses (SIFT, PolyPhen-2) predict that this variant is tolerated. Due to limited information, the clinical significance of the variant is uncertain at this time.

Eurofins Ntd Llc (ga)
Classification: Uncertain significance. Last evaluated: 2017-06-28. Review status: criteria provided, single submitter. Criteria: EGL Classification Definitions 2015. Collection method: clinical testing. Allele origin: germline. Observed: 1 variant allele, 1 heterozygote.

Natera, Inc.
Classification: Uncertain significance for Leber congenital amaurosis. Last evaluated: 2019-10-28. Review status: no assertion criteria provided. Collection method: clinical testing. Allele origin: germline. Not counted in ClinVar's aggregate classification.